The following is an entry in ClinVar:

ClinVar aggregate classification (germline): Conflicting classifications of pathogenicity. Review status: criteria provided, conflicting classifications (1 of 4 stars). 3 submissions from 3 submitters: Uncertain significance (2); Likely benign (1). Last evaluated 2025-09-16.

Conditions:
Cardiovascular phenotype. Identifiers: MedGen CN230736.

Allele frequency attached by ClinVar (database versions not stated): gnomAD 0.00001; gnomAD exomes 0.00001.
gnomAD v4.1: 17 of 1,550,194 alleles (0.0011%); highest among the groups gnomAD compares: Admixed American, 0.0078%; no homozygotes.

Submissions (3):

Women's Health and Genetics/Laboratory Corporation of America, LabCorp
Classification: Uncertain significance. Last evaluated: 2025-09-16. Review status: criteria provided, single submitter. Criteria: LabCorp Variant Classification Summary - May 2015. Collection method: clinical testing. Allele origin: germline.
Comment: Variant summary: ZNF469 c.7930C>T (p.Arg2644Trp) results in a non-conservative amino acid change in the encoded protein sequence. Algorithms developed to predict the effect of missense changes on protein structure and function are either unavailable or do not agree on the potential impact of this missense change. The variant allele was found at a frequency of 2.6e-05 in 153720 control chromosomes. The available data on variant occurrences in the general population are insufficient to allow any conclusion about variant significance. To our knowledge, no occurrence of c.7930C>T in individuals affected with ZNF469-related conditions and no experimental evidence demonstrating its impact on protein function have been reported. ClinVar contains an entry for this variant (Variation ID: 2070392). Based on the evidence outlined above, the variant was classified as uncertain significance.

Ambry Genetics
Classification: Likely benign for Cardiovascular phenotype. Last evaluated: 2023-05-11. Review status: criteria provided, single submitter. Criteria: Ambry Variant Classification Scheme 2023. Collection method: clinical testing. Allele origin: germline.

Labcorp Genetics (formerly Invitae), Labcorp
Classification: Uncertain significance. Last evaluated: 2022-07-25. Review status: criteria provided, single submitter. Criteria: Invitae Variant Classification Sherloc (09022015). Collection method: clinical testing. Allele origin: germline.
Comment: This sequence change replaces arginine, which is basic and polar, with tryptophan, which is neutral and slightly polar, at codon 2616 of the ZNF469 protein (p.Arg2616Trp). This variant is present in population databases (no rsID available, gnomAD 0.02%). This variant has not been reported in the literature in individuals affected with ZNF469-related conditions. Algorithms developed to predict the effect of missense changes on protein structure and function output the following: SIFT: "Deleterious"; PolyPhen-2: "Benign"; Align-GVGD: "Class C0". The tryptophan amino acid residue is found in multiple mammalian species, which suggests that this missense change does not adversely affect protein function. In summary, the available evidence is currently insufficient to determine the role of this variant in disease. Therefore, it has been classified as a Variant of Uncertain Significance.

NM_001367624.2(ZNF469):c.7930C>T (p.Arg2644Trp)

Gene: ZNF469 (zinc finger protein 469; plus strand). Cytogenetic location: 16q24.2.
Variant type: single nucleotide variant.
Coding change: c.7930C>T on transcript NM_001367624.2 (MANE Select); coding-DNA position 7930, C replaced by T.
Protein change: p.Arg2644Trp; replaces arginine 2644 with tryptophan.
Molecular consequence: missense variant.
Genome position (GRCh38, 1-based): chr16:88,435,400, C>T. VCF-style: chr16-88435400-C-T. GRCh37 (hg19) VCF-style: chr16-88501808-C-T.
Other names: NM_001127464.1:c.7846C>T; short protein forms R2644W.
Identifiers: ClinVar variation 2070392 (VCV002070392.4), dbSNP rs1181644535, ClinGen allele CA397115459.
Genomic context (GRCh38, chr16:88,435,400, plus strand): 5'-CCTAGCCACTCAGAGGGGAAGTCAAATAAGAAAAGGGGAAAGCTGAGAGGGAGAAGGCTC[C>T]GGGAGGAGAGCATTCTTCCAGTCTCTGCTGATGTGATTTCAGATGGGCGCGGCTCCAGAC-3'
Protein context (NP_001354553.1, residues 2634-2654): KRGKLRGRRL[Arg2644Trp]EESILPVSAD